The following is an entry in ClinVar:

NM_177438.3(DICER1):c.3930del (p.Phe1310fs)

Gene: DICER1 (dicer 1, ribonuclease III; minus strand). Cytogenetic location: 14q32.13.
Variant type: Deletion.
Coding change: c.3930del on transcript NM_177438.3 (MANE Select); coding-DNA position 3930, one base deleted (T; older notation c.3930delT).
Protein change: p.Phe1310fs; shifts the reading frame from phenylalanine 1310.
Molecular consequence: frameshift variant. On other transcripts: non-coding transcript variant (6).
Genome position (GRCh38, 1-based): chr14:95,103,466, A deleted on the plus strand (T on the coding strand, the reverse complement: DICER1 is on the minus strand); the first of 3 consecutive A bases (chr14:95,103,466-95,103,468); deleting any one gives the same sequence. VCF-style (leftmost placement, unchanged base first): chr14-95103465-TA-T. GRCh37 (hg19) VCF-style: chr14-95569802-TA-T.
Other names: c.3648del, p.Phe1216fs (NM_001395686.1); c.3525del, p.Phe1175fs (NM_001395687.1, NM_001395688.1, NM_001395689.1 and 2 more transcripts); c.3363del, p.Phe1121fs (NM_001395691.1); c.3930del, p.Phe1310fs (NM_001395692.1, NM_001395693.1, NM_001395694.1 and 12 more transcripts); c.2247del, p.Phe749fs (NM_001395697.1); c.3930delT (NM_177438.2); short protein forms F1216fs, F749fs, F1121fs, F1175fs, F1310fs.
Identifiers: ClinVar variation 4843081 (VCV004843081.1).
Genomic context (GRCh38, chr14:95,103,465, plus strand): 5'-GATATGTGGTGATGGCATGCTTTAAAAAGGAGTCGCCAAGCATTTCAAGCCGCTCCAGGT[TA>T]AATCCATCACTAGCGTTTGACAGAGTCAAAGCCTGAAGAATAAGTCCAGGATTGGGGCCA-3'

ClinVar aggregate classification (germline): Pathogenic (1 of 4 stars; one submission).

Conditions:
Hereditary cancer-predisposing syndrome. Also called: Neoplastic Syndromes, Hereditary; Tumor predisposition; Hereditary Cancer Syndrome; Hereditary neoplastic syndrome. Identifiers: Orphanet 140162, MedGen C0027672, MeSH D009386, MONDO:0015356.

Submission:

Ambry Genetics
Classification: Pathogenic for Hereditary cancer-predisposing syndrome. Last evaluated: 2025-12-30. Review status: criteria provided, single submitter. Criteria: Ambry Variant Classification Scheme 2023. Collection method: clinical testing. Allele origin: germline.
Comment: The c.3930delT pathogenic mutation, located in coding exon 20 of the DICER1 gene, results from a deletion of one nucleotide at nucleotide position 3930, causing a translational frameshift with a predicted alternate stop codon (p.F1310Lfs*14). This variant is considered to be rare based on population cohorts in the Genome Aggregation Database (gnomAD). This alteration is expected to result in loss of function by premature protein truncation or nonsense-mediated mRNA decay. As such, this alteration is interpreted as a disease-causing mutation.